The following is an entry in ClinVar:

NM_003119.4(SPG7):c.2289G>A (p.Trp763Ter)

Gene: SPG7 (SPG7 matrix AAA peptidase subunit, paraplegin; plus strand). Cytogenetic location: 16q24.3.
Variant type: single nucleotide variant.
Coding change: c.2289G>A on transcript NM_003119.4 (MANE Select); coding-DNA position 2289, G replaced by A.
Protein change: p.Trp763Ter; replaces tryptophan 763 with a stop codon.
Molecular consequence: nonsense. On other transcripts: 3 prime UTR variant (1).
Genome position (GRCh38, 1-based): chr16:89,556,994, G>A. VCF-style: chr16-89556994-G-A. GRCh37 (hg19) VCF-style: chr16-89623402-G-A.
Other names: c.*67G>A (NM_001363850.1); short protein forms W763*.
Identifiers: ClinVar variation 4072294 (VCV004072294.1).

ClinVar aggregate classification (germline): Uncertain significance (1 of 4 stars; one submission).

Conditions:
Hereditary spastic paraplegia 7 (SPG7). Also called: Autosomal recessive spastic paraplegia type 7; Spastic paraplegia 7; Hereditary spastic paraplegia Paraplegin type; SPASTIC PARAPLEGIA 7, AUTOSOMAL RECESSIVE, WITH OR WITHOUT CEREBELLAR ATAXIA; SPG7-related neurologic disorder. Identifiers: Orphanet 99013, MedGen C1846564, MONDO:0011803, OMIM 607259.

gnomAD v4.1: 2 of 1,613,846 alleles (0.00012%); highest among the groups gnomAD compares: Admixed American, 0.0033%; no homozygotes.

Submission:

3billion
Classification: Uncertain significance for Hereditary spastic paraplegia 7. Last evaluated: 2024-07-24. Review status: criteria provided, single submitter. Criteria: ACMG Guidelines, 2015. Collection method: clinical testing. Allele origin: germline. Affected: yes.
Comment: The variant is observed at an extremely low frequency in the gnomAD v4.0.0 dataset (total allele frequency: <0.001%). Predicted Consequence/Location: Stop-gained (nonsense): predicted to result in a loss or disruption of normal protein function through protein truncation. The predicted truncated protein may be shortened by less than 10%. Therefore, this variant is classified as VUS according to the recommendation of ACMG/AMP guideline.